The following is an entry in ClinVar:

NM_000443.4(ABCB4):c.1742G>T (p.Gly581Val)

Gene: ABCB4 (ATP binding cassette subfamily B member 4; minus strand). Cytogenetic location: 7q21.12.
Variant type: single nucleotide variant.
Coding change: c.1742G>T on transcript NM_000443.4 (MANE Select); coding-DNA position 1742, G replaced by T.
Protein change: p.Gly581Val; replaces glycine 581 with valine.
Molecular consequence: missense variant.
Genome position (GRCh38, 1-based): chr7:87,431,555, C>A on the plus strand (G>T on the coding strand, the complement: ABCB4 is on the minus strand). VCF-style: chr7-87431555-C-A. GRCh37 (hg19) VCF-style: chr7-87060871-C-A.
Other names: c.1742G>T, p.Gly581Val (NM_018849.3, NM_018850.3); short protein forms G581V.
Identifiers: ClinVar variation 4846475 (VCV004846475.1).
Genomic context (GRCh38, chr7:87,431,555, plus strand): 5'-GCGATGACATCTGCATTTCGGACCGTAGACAGTCGGTGTGCTATCACAATGGTGGTCCGG[C>A]CTTCTCTGGCCTAAAAGAACAAAAATGTGGTGCATCAGGGTTACAGTATTGGCACACTGT-3'
Protein context (NP_000434.1, residues 571-591): VQAALDKARE[Gly581Val]RTTIVIAHRL

ClinVar aggregate classification (germline): Uncertain significance (1 of 4 stars; one submission).

Conditions:
Familial intrahepatic cholestasis. Identifiers: Orphanet 284385, MedGen CN296401, MONDO:0017290.

Submission:

Genomenon, Inc
Classification: Uncertain significance for Familial intrahepatic cholestasis. Last evaluated: 2026-04-14. Review status: criteria provided, single submitter. Criteria: Genomenon Sequence Variant Interpretation Standards - Updated. Collection method: curation. Allele origin: germline. Affected: yes.
Comment: ABCB4 p.Gly581Val (c.1742G>T) is a missense variant that changes the amino acid at residue 581 from Glycine to Valine. This variant has been observed in at least one proband with an ABCB4-related disorder (PMID:37471416). It is absent or not present at a significant frequency in gnomAD. In silico models predict that this variant is possibly or probably damaging. In conclusion, we classify ABCB4 p.Gly581Val (c.1742G>T) as a variant of uncertain significance.

Literature cited by the submitters: PubMed 37471416.